The following is an entry in ClinVar:

NM_001126108.2(SLC12A3):c.2585G>C (p.Arg862Pro)

Gene: SLC12A3 (solute carrier family 12 member 3; plus strand). Cytogenetic location: 16q13.
Variant type: single nucleotide variant.
Coding change: c.2585G>C on transcript NM_001126108.2 (MANE Select); coding-DNA position 2585, G replaced by C.
Protein change: p.Arg862Pro; replaces arginine 862 with proline.
Molecular consequence: missense variant.
Genome position (GRCh38, 1-based): chr16:56,894,594, G>C. VCF-style: chr16-56894594-G-C. GRCh37 (hg19) VCF-style: chr16-56928506-G-C.
Other names: c.2612G>C, p.Arg871Pro (NM_000339.3); c.2609G>C, p.Arg870Pro (NM_001126107.2); c.2612G>C (NM_000339.2); short protein forms R862P, R870P, R871P.
Identifiers: ClinVar variation 1299566 (VCV001299566.4), dbSNP rs267607051, ClinGen allele CA395997540.

ClinVar aggregate classification (germline): Conflicting classifications of pathogenicity. Review status: criteria provided, conflicting classifications (1 of 4 stars). 4 submissions from 4 submitters: Likely pathogenic (3); Uncertain significance (1). Last evaluated 2025-07-25.

Conditions:
Familial hypokalemia-hypomagnesemia (GTLMNS). Also called: HYPOMAGNESEMIA-HYPOKALEMIA, PRIMARY RENOTUBULAR, WITH HYPOCALCIURIA; POTASSIUM AND MAGNESIUM DEPLETION; gitelman syndrome. Identifiers: Orphanet 358, MedGen C0268450, MONDO:0009904, OMIM 263800.

gnomAD v4.1: 4 of 1,614,002 alleles (0.00025%); highest among the groups gnomAD compares: Admixed American, 0.0017%; no homozygotes.

Submissions (4):

Natera, Inc.
Classification: Likely pathogenic for Gitelman syndrome. Last evaluated: 2025-07-25. Review status: criteria provided, single submitter. Criteria: Natera Variant Classification Schema (03/2026). Collection method: clinical testing. Allele origin: germline.
Comment: The c.2612G>C variant in SLC12A3 is a missense variant predicted to cause substitution of arginine to proline at amino acid 871. This variant is rare in the general population with a frequency below the threshold expected for the associated phenotype(s). This variant has been observed in one or more individuals affected with the associated recessive disease, as either homozygous or compound heterozygous with a second variant (PMID: 25422309, 35118535). This variant has been identified in one or more affected individuals with a phenotype highly consistent with the associated gene (PMID: 25422309, 35118535). Computational prediction algorithms indicate this variant is likely to affect gene or protein function. Given the available evidence, this variant is classified as Likely Pathogenic.

Fulgent Genetics
Classification: Likely pathogenic for Familial hypokalemia-hypomagnesemia. Last evaluated: 2024-03-21. Review status: criteria provided, single submitter. Criteria: ACMG Guidelines, 2015. Collection method: clinical testing. Allele origin: germline.

Blueprint Genetics
Classification: Uncertain significance. Last evaluated: 2022-10-31. Review status: criteria provided, single submitter. Criteria: ACMG Guidelines, 2015. Collection method: clinical testing. Allele origin: germline.

Laboratory of Medical Genetics, National & Kapodistrian University of Athens
Classification: Likely pathogenic for Familial hypokalemia-hypomagnesemia. Last evaluated: 2021-08-10. Review status: criteria provided, single submitter. Criteria: ACMG Guidelines, 2015. Collection method: clinical testing. Allele origin: unknown. Affected: yes.
Comment: PM2, PM5, PP3, PP5

Literature cited by the submitters: PubMed 25422309 (cited by Natera, Inc.); PubMed 35118535 (cited by Natera, Inc.).